The following is an entry in ClinVar:

NM_001042681.2(RERE):c.3582G>T (p.Arg1194=)

Gene: RERE (arginine-glutamic acid dipeptide repeats; minus strand). Cytogenetic location: 1p36.23.
Variant type: single nucleotide variant.
Coding change: c.3582G>T on transcript NM_001042681.2 (MANE Select); coding-DNA position 3582, G replaced by T.
Protein change: p.Arg1194=; no amino-acid change (arginine 1194 retained).
Molecular consequence: synonymous variant.
Genome position (GRCh38, 1-based): chr1:8,359,800, C>A on the plus strand (G>T on the coding strand, the complement: RERE is on the minus strand). VCF-style: chr1-8359800-C-A. GRCh37 (hg19) VCF-style: chr1-8419860-C-A.
Other names: c.1920G>T, p.Arg640= (NM_001042682.2); c.3582G>T, p.Arg1194= (NM_012102.4).
Identifiers: ClinVar variation 5007148 (VCV005007148.2).

ClinVar aggregate classification (germline): Uncertain significance (1 of 4 stars; one submission).

Conditions:
Neurodevelopmental disorder with or without anomalies of the brain, eye, or heart (NEDBEH). Identifiers: Orphanet 494344, MedGen C5567477, MONDO:0014857, OMIM 616975.

Submission:

Juno Genomics, Hangzhou Juno Genomics, Inc
Classification: Uncertain significance for Neurodevelopmental disorder with or without anomalies of the brain, eye, or heart. Review status: criteria provided, single submitter. Criteria: ACMG Guidelines, 2015. Collection method: clinical testing. Allele origin: germline.
Comment: Absent from controls (or at extremely low frequency if recessive) in Genome Aggregation Database.;Multiple lines of computational evidence support a deleterious effect on the gene or gene product.